The following is an entry in ClinVar:

ClinVar aggregate classification (germline): Uncertain significance (1 of 4 stars; one submission).

Conditions:
Fontaine progeroid syndrome. Also called: Gorlin-Chaudhry-Moss syndrome; Progeroid syndrome congenital Petty type; Petty Laxova Wiedemann syndrome; SLC25A24 Fontaine Progeroid Syndrome; CRANIOFACIAL DYSOSTOSIS, HYPERTRICHOSIS, HYPOPLASIA OF LABIA MAJORA, DENTAL AND EYE ANOMALIES, PATENT DUCTUS ARTERIOSUS, AND NORMAL INTELLIGENCE; Craniofacial dysostosis, patent ductus arteriosus, hypertrichosis, hypoplasia of labia majora, dental and eye anomalies. Identifiers: Orphanet 2095, MedGen C2676780, MONDO:0012853, OMIM 612289.

Submission:

Juno Genomics, Hangzhou Juno Genomics, Inc
Classification: Uncertain significance for Fontaine progeroid syndrome. Review status: criteria provided, single submitter. Criteria: ACMG Guidelines, 2015. Collection method: clinical testing. Allele origin: germline.
Comment: Absent from controls (or at extremely low frequency if recessive) in Genome Aggregation Database.;Multiple lines of computational evidence support a deleterious effect on the gene or gene product.

NM_013386.5(SLC25A24):c.819A>C (p.Glu273Asp)

Gene: SLC25A24 (solute carrier family 25 member 24; minus strand). Cytogenetic location: 1p13.3.
Variant type: single nucleotide variant.
Coding change: c.819A>C on transcript NM_013386.5 (MANE Select); coding-DNA position 819, A replaced by C.
Protein change: p.Glu273Asp; replaces glutamic acid 273 with aspartic acid.
Molecular consequence: missense variant.
Genome position (GRCh38, 1-based): chr1:108,154,986, T>G on the plus strand (A>C on the coding strand, the complement: SLC25A24 is on the minus strand). VCF-style: chr1-108154986-T-G. GRCh37 (hg19) VCF-style: chr1-108697608-T-G.
Other names: c.762A>C, p.Glu254Asp (NM_213651.3); short protein forms E254D, E273D.
Identifiers: ClinVar variation 5005476 (VCV005005476.2).